The following is an entry in ClinVar:

ClinVar aggregate classification (germline): Uncertain significance. Review status: criteria provided, multiple submitters, no conflicts (2 of 4 stars). 3 submissions from 3 submitters: Uncertain significance (3). Last evaluated 2021-07-07.

Conditions:
X-linked Alport syndrome (ATS1). Also called: NEPHROPATHY AND DEAFNESS, X-LINKED; COL4A5-Related Nephropathy. Identifiers: Orphanet 63, Orphanet 88917, MedGen C4746986, MONDO:0010520, OMIM 301050.

Allele frequency attached by ClinVar (database versions not stated): gnomAD 0.00001; TOPMed 0.00003.
gnomAD v4.1: 3 of 1,203,828 alleles (0.00025%); highest among the groups gnomAD compares: African/African-American, 0.0018%; no homozygotes.

Submissions (3):

Fulgent Genetics
Classification: Uncertain significance for X-linked Alport syndrome. Last evaluated: 2021-07-07. Review status: criteria provided, single submitter. Criteria: ACMG Guidelines, 2015. Collection method: clinical testing. Allele origin: unknown.

Labcorp Genetics (formerly Invitae), Labcorp
Classification: Uncertain significance. Last evaluated: 2021-03-16. Review status: criteria provided, single submitter. Criteria: Invitae Variant Classification Sherloc (09022015). Collection method: clinical testing. Allele origin: germline.
Comment: This sequence change replaces histidine with arginine at codon 839 of the COL4A5 protein (p.His839Arg). The histidine residue is moderately conserved and there is a small physicochemical difference between histidine and arginine. This variant is not present in population databases (ExAC no frequency). This variant has not been reported in the literature in individuals with COL4A5-related conditions. Advanced modeling of protein sequence and biophysical properties (such as structural, functional, and spatial information, amino acid conservation, physicochemical variation, residue mobility, and thermodynamic stability) performed at Invitae indicates that this missense variant is not expected to disrupt COL4A5 protein function. In summary, the available evidence is currently insufficient to determine the role of this variant in disease. Therefore, it has been classified as a Variant of Uncertain Significance.

GeneDx
Classification: Uncertain significance. Last evaluated: 2019-02-11. Review status: criteria provided, single submitter. Criteria: GeneDx Variant Classification Process June 2021. Collection method: clinical testing. Allele origin: germline. Affected: yes.
Comment: Not observed in large population cohorts (Lek et al., 2016); In silico analysis, which includes protein predictors and evolutionary conservation, supports that this variant does not alter protein structure/function; Has not been previously published as pathogenic or benign to our knowledge

NM_033380.3(COL4A5):c.2516A>G (p.His839Arg)

Gene: COL4A5 (collagen type IV alpha 5 chain; plus strand). Cytogenetic location: Xq22.3.
Variant type: single nucleotide variant.
Coding change: c.2516A>G on transcript NM_033380.3 (MANE Select); coding-DNA position 2516, A replaced by G.
Protein change: p.His839Arg; replaces histidine 839 with arginine.
Molecular consequence: missense variant.
Genome position (GRCh38, 1-based): chrX:108,620,265, A>G. VCF-style: chrX-108620265-A-G. GRCh37 (hg19) VCF-style: chrX-107863495-A-G.
Other names: c.2516A>G, p.His839Arg (NM_000495.5); short protein forms H839R.
Identifiers: ClinVar variation 1304484 (VCV001304484.4), dbSNP rs1272041306, ClinGen allele CA413851252.